The following is an entry in ClinVar:

ClinVar aggregate classification (germline): Uncertain significance. Review status: criteria provided, multiple submitters, no conflicts (2 of 4 stars). 2 submissions from 2 submitters: Uncertain significance (2). Last evaluated 2025-04-24.

Conditions:
Inborn genetic diseases. Identifiers: MedGen C0950123, MeSH D030342.
Cohen syndrome (COH1). Also called: Cutis verticis gyrata, retinitis pigmentosa, and sensorineural deafness; PEPPER SYNDROME. Identifiers: Orphanet 193, MedGen C0265223, MONDO:0008999, OMIM 216550.

Allele frequency attached by ClinVar (database versions not stated): TOPMed 0.00001.
gnomAD v4.1: 3 of 1,613,962 alleles (0.00019%); highest among the groups gnomAD compares: African/African-American, 0.004%; no homozygotes.

Submissions (2):

Ambry Genetics
Classification: Uncertain significance for Inborn genetic diseases. Last evaluated: 2025-04-24. Review status: criteria provided, single submitter. Criteria: Ambry Variant Classification Scheme 2023. Collection method: clinical testing. Allele origin: germline.

Labcorp Genetics (formerly Invitae), Labcorp
Classification: Uncertain significance for Cohen syndrome. Last evaluated: 2024-11-05. Review status: criteria provided, single submitter. Criteria: Invitae Variant Classification Sherloc (09022015). Collection method: clinical testing. Allele origin: germline.
Comment: This sequence change replaces alanine, which is neutral and non-polar, with serine, which is neutral and polar, at codon 3634 of the VPS13B protein (p.Ala3634Ser). This variant is present in population databases (no rsID available, gnomAD 0.01%). This variant has not been reported in the literature in individuals affected with VPS13B-related conditions. ClinVar contains an entry for this variant (Variation ID: 2195558). Invitae Evidence Modeling of protein sequence and biophysical properties (such as structural, functional, and spatial information, amino acid conservation, physicochemical variation, residue mobility, and thermodynamic stability) has been performed for this missense variant. However, the output from this modeling did not meet the statistical confidence thresholds required to predict the impact of this variant on VPS13B protein function. In summary, the available evidence is currently insufficient to determine the role of this variant in disease. Therefore, it has been classified as a Variant of Uncertain Significance.

NM_152564.5(VPS13B):c.10825G>T (p.Ala3609Ser)

Gene: VPS13B (vacuolar protein sorting 13 homolog B; plus strand). Cytogenetic location: 8q22.2.
Variant type: single nucleotide variant.
Coding change: c.10825G>T on transcript NM_152564.5 (MANE Select); coding-DNA position 10825, G replaced by T.
Protein change: p.Ala3609Ser; replaces alanine 3609 with serine.
Molecular consequence: missense variant.
Genome position (GRCh38, 1-based): chr8:99,854,214, G>T. VCF-style: chr8-99854214-G-T. GRCh37 (hg19) VCF-style: chr8-100866442-G-T.
Other names: c.10900G>T (NM_017890.3); c.10900G>T, p.Ala3634Ser (NM_017890.5); short protein forms A3609S, A3634S.
Identifiers: ClinVar variation 2195558 (VCV002195558.5), dbSNP rs769606496, ClinGen allele CA371786270.